The following is an entry in ClinVar:

NM_000179.3(MSH6):c.1735T>C (p.Cys579Arg)

Gene: MSH6 (mutS homolog 6; plus strand). Cytogenetic location: 2p16.3.
Variant type: single nucleotide variant.
Coding change: c.1735T>C on transcript NM_000179.3 (MANE Select); coding-DNA position 1735, T replaced by C.
Protein change: p.Cys579Arg; replaces cysteine 579 with arginine.
Molecular consequence: missense variant.
Genome position (GRCh38, 1-based): chr2:47,799,718, T>C. VCF-style: chr2-47799718-T-C. GRCh37 (hg19) VCF-style: chr2-48026857-T-C.
Other names: c.1345T>C, p.Cys449Arg (NM_001281492.2); c.829T>C, p.Cys277Arg (NM_001281493.2, NM_001281494.2); short protein forms C579R, C277R, C449R.
Identifiers: ClinVar variation 455153 (VCV000455153.16), dbSNP rs1185721664, ClinGen allele CA346748802.

ClinVar aggregate classification (germline): Conflicting classifications of pathogenicity. Review status: criteria provided, conflicting classifications (1 of 4 stars). 5 submissions from 5 submitters: Uncertain significance (4); Likely benign (1). Last evaluated 2025-06-16.

Conditions:
Hereditary nonpolyposis colorectal neoplasms. Identifiers: MedGen C0009405, MeSH D003123.
Hereditary cancer-predisposing syndrome. Also called: Hereditary Cancer Syndrome; Hereditary neoplastic syndrome; Neoplastic Syndromes, Hereditary; Tumor predisposition. Identifiers: Orphanet 140162, MedGen C0027672, MeSH D009386, MONDO:0015356.
Endometrial carcinoma. Also called: Endometrial carcinoma, somatic. Identifiers: MedGen C0476089, MONDO:0002447, OMIM 608089, HP:0012114.

Allele frequency attached by ClinVar (database versions not stated): gnomAD exomes below 0.00001.
gnomAD v4.1: 2 of 1,614,196 alleles (0.00012%); highest among the groups gnomAD compares: Non-Finnish European, 0.00017%; no homozygotes.

Submissions (5):

Women's Health and Genetics/Laboratory Corporation of America, LabCorp
Classification: Uncertain significance. Last evaluated: 2025-06-16. Review status: criteria provided, single submitter. Criteria: LabCorp Variant Classification Summary - May 2015. Collection method: clinical testing. Allele origin: germline.

Labcorp Genetics (formerly Invitae), Labcorp
Classification: Likely benign for Hereditary nonpolyposis colorectal neoplasms. Last evaluated: 2025-04-02. Review status: criteria provided, single submitter. Criteria: Invitae Variant Classification Sherloc (09022015). Collection method: clinical testing. Allele origin: germline.

Ambry Genetics
Classification: Uncertain significance for Hereditary cancer-predisposing syndrome. Last evaluated: 2024-04-03. Review status: criteria provided, single submitter. Criteria: Ambry Variant Classification Scheme 2023. Collection method: clinical testing. Allele origin: germline.
Comment: The p.C579R variant (also known as c.1735T>C), located in coding exon 4 of the MSH6 gene, results from a T to C substitution at nucleotide position 1735. The cysteine at codon 579 is replaced by arginine, an amino acid with highly dissimilar properties. This amino acid position is highly conserved in available vertebrate species. In addition, this alteration is predicted to be deleterious by in silico analysis. Based on the available evidence, the clinical significance of this variant remains unclear.

Baylor Genetics
Classification: Uncertain significance for Endometrial carcinoma. Last evaluated: 2023-11-19. Review status: criteria provided, single submitter. Criteria: ACMG Guidelines, 2015. Collection method: clinical testing. Allele origin: unknown.

GeneDx
Classification: Uncertain significance. Last evaluated: 2022-10-18. Review status: criteria provided, single submitter. Criteria: GeneDx Variant Classification Process June 2021. Collection method: clinical testing. Allele origin: germline. Affected: yes.
Comment: Not observed at significant frequency in large population cohorts (gnomAD); In silico analysis supports that this missense variant has a deleterious effect on protein structure/function; Has not been previously published as pathogenic or benign to our knowledge; This variant is associated with the following publications: (PMID: 17531815, 21120944)